The following is an entry in ClinVar:

ClinVar aggregate classification (germline): Uncertain significance (1 of 4 stars; one submission).

Conditions:
Primary ciliary dyskinesia. Also called: Ciliary dyskinesia. Identifiers: Orphanet 244, MedGen C0008780, MONDO:0016575, HP:0012265.

gnomAD v4.1: 1 of 1,609,618 alleles (0.000062%); highest among the groups gnomAD compares: Non-Finnish European, 0.000085%; no homozygotes.

Submission:

Labcorp Genetics (formerly Invitae), Labcorp
Classification: Uncertain significance for Primary ciliary dyskinesia. Last evaluated: 2024-09-03. Review status: criteria provided, single submitter. Criteria: Invitae Variant Classification Sherloc (09022015). Collection method: clinical testing. Allele origin: germline.
Comment: This sequence change replaces proline, which is neutral and non-polar, with arginine, which is basic and polar, at codon 1646 of the DNAH11 protein (p.Pro1646Arg). This variant is not present in population databases (gnomAD no frequency). This variant has not been reported in the literature in individuals affected with DNAH11-related conditions. Invitae Evidence Modeling of protein sequence and biophysical properties (such as structural, functional, and spatial information, amino acid conservation, physicochemical variation, residue mobility, and thermodynamic stability) indicates that this missense variant is not expected to disrupt DNAH11 protein function with a negative predictive value of 95%. In summary, the available evidence is currently insufficient to determine the role of this variant in disease. Therefore, it has been classified as a Variant of Uncertain Significance.

NM_001277115.2(DNAH11):c.4937C>G (p.Pro1646Arg)

Gene: DNAH11 (dynein axonemal heavy chain 11; plus strand). Cytogenetic location: 7p15.3.
Variant type: single nucleotide variant.
Coding change: c.4937C>G on transcript NM_001277115.2 (MANE Select); coding-DNA position 4937, C replaced by G.
Protein change: p.Pro1646Arg; replaces proline 1646 with arginine.
Molecular consequence: missense variant.
Genome position (GRCh38, 1-based): chr7:21,639,058, C>G. VCF-style: chr7-21639058-C-G. GRCh37 (hg19) VCF-style: chr7-21678676-C-G.
Other names: short protein forms P1646R.
Identifiers: ClinVar variation 3662899 (VCV003662899.2).
Genomic context (GRCh38, chr7:21,639,058, plus strand): 5'-CTCGCTTCTATTTCGTCTCTTCTGCTGATTTACTTGACATTCTCTCAAAAGGAGCTCAGC[C>G]TAAACAGGTAATATTTTTTTTGAAAGTCTCGTATTATACTGTGTTAGCTGAGGAATGTCA-3'
Protein context (NP_001264044.1, residues 1636-1656): LLDILSKGAQ[Pro1646Arg]KQVTCHLAKL